The following is an entry in ClinVar:

ClinVar aggregate classification (germline): Uncertain significance (1 of 4 stars; one submission).

Conditions:
Cardiovascular phenotype. Identifiers: MedGen CN230736.

Allele frequency attached by ClinVar (database versions not stated): gnomAD exomes below 0.00001.
gnomAD v4.1: 6 of 1,614,228 alleles (0.00037%); highest among the groups gnomAD compares: Non-Finnish European, 0.00051%; no homozygotes.

Submission:

Ambry Genetics
Classification: Uncertain significance for Cardiovascular phenotype. Last evaluated: 2021-12-16. Review status: criteria provided, single submitter. Criteria: Ambry Variant Classification Scheme 2023. Collection method: clinical testing. Allele origin: germline.
Comment: The p.F179L variant (also known as c.537C>A), located in coding exon 4 of the ABCG8 gene, results from a C to A substitution at nucleotide position 537. The phenylalanine at codon 179 is replaced by leucine, an amino acid with highly similar properties. This amino acid position is conserved. In addition, this alteration is predicted to be tolerated by in silico analysis. Since supporting evidence is limited at this time, the clinical significance of this alteration remains unclear.

NM_022437.3(ABCG8):c.537C>A (p.Phe179Leu)

Gene: ABCG8 (ATP binding cassette subfamily G member 8; plus strand). Cytogenetic location: 2p21.
Variant type: single nucleotide variant.
Coding change: c.537C>A on transcript NM_022437.3 (MANE Select); coding-DNA position 537, C replaced by A.
Protein change: p.Phe179Leu; replaces phenylalanine 179 with leucine.
Molecular consequence: missense variant.
Genome position (GRCh38, 1-based): chr2:43,851,798, C>A. VCF-style: chr2-43851798-C-A. GRCh37 (hg19) VCF-style: chr2-44078937-C-A.
Other names: c.537C>A, p.Phe179Leu (NM_001357321.2); short protein forms F179L.
Identifiers: ClinVar variation 1747140 (VCV001747140.2), dbSNP rs2466199860, ClinGen allele CA346665572.